The following is an entry in ClinVar:

ClinVar aggregate classification (germline): Uncertain significance (1 of 4 stars; one submission).

Conditions:
Beckwith-Wiedemann syndrome (BWS). Also called: EMG SYNDROME; Exomphalos macroglossia gigantism syndrome. Identifiers: Orphanet 116, MedGen C0004903, MONDO:0007534, OMIM 130650.

Submission:

Labcorp Genetics (formerly Invitae), Labcorp
Classification: Uncertain significance for Beckwith-Wiedemann syndrome. Last evaluated: 2021-02-14. Review status: criteria provided, single submitter. Criteria: Invitae Variant Classification Sherloc (09022015). Collection method: clinical testing. Allele origin: germline.
Comment: In summary, the available evidence is currently insufficient to determine the role of this variant in disease. Therefore, it has been classified as a Variant of Uncertain Significance. Experimental studies and prediction algorithms are not available or were not evaluated, and the functional significance of this variant is currently unknown. This variant has not been reported in the literature in individuals with CDKN1C-related conditions. The frequency data for this variant in the population databases is considered unreliable, as metrics indicate insufficient coverage at this position in the ExAC database. This variant, c.292_294del, results in the deletion of 1 amino acid(s) of the CDKN1C protein (p.Gly98del), but otherwise preserves the integrity of the reading frame.

NM_001122630.2(CDKN1C):c.259_261del (p.Gly87del)

Gene: CDKN1C (cyclin dependent kinase inhibitor 1C; minus strand). Cytogenetic location: 11p15.4.
Variant type: Deletion.
Coding change: c.259_261del on transcript NM_001122630.2 (MANE Select); coding-DNA positions 259 to 261, 3 bases deleted (GGG; older notation c.259_261delGGG).
Protein change: p.Gly87del; deletes glycine 87.
Molecular consequence: inframe deletion. On other transcripts: intron variant (1).
Genome position (GRCh38, 1-based): chr11:2,885,196-2,885,198, CCC deleted on the plus strand (GGG on the coding strand, the reverse complement: CDKN1C is on the minus strand); deleting any 3 consecutive bases within chr11:2,885,196-2,885,199 gives the same sequence; the c. name uses the placement nearest the transcript's 3' end. VCF-style (leftmost placement, unchanged base first): chr11-2885195-GCCC-G. GRCh37 (hg19) VCF-style: chr11-2906425-GCCC-G.
Other names: c.292_294del, p.Gly98del (NM_001362474.2, NM_000076.2); c.255+4_255+6del (NM_001362475.2); c.259_261del, p.Gly87del (NM_001122631.2); short protein forms G98del, G87del.
Identifiers: ClinVar variation 1523852 (VCV001523852.8), dbSNP rs2133785467, ClinGen allele CA2573145950.